The following is an entry in ClinVar:

ClinVar aggregate classification (germline): Conflicting classifications of pathogenicity. Review status: criteria provided, conflicting classifications (1 of 4 stars). 5 submissions from 5 submitters: Uncertain significance (2); Benign (1); Likely benign (1). 1 of the submissions does not count toward it. Last evaluated 2025-08-04.

Conditions:
Inborn genetic diseases. Identifiers: MedGen C0950123, MeSH D030342.
Short-rib thoracic dysplasia 10 with or without polydactyly (SRTD10). Identifiers: Orphanet 474, MedGen C3810175, MONDO:0014284, OMIM 615630.
Retinitis pigmentosa 71 (RP71). Identifiers: Orphanet 791, MedGen C4225342, MONDO:0014618, OMIM 616394.
Bardet-Biedl syndrome 20. Identifiers: MedGen C4310707, MONDO:0023670, OMIM 619471, MONDO:0014926.
IFT172-related disorder. Also called: IFT172-related disorders; IFT172-related condition.

Allele frequency attached by ClinVar (database versions not stated): gnomAD exomes 0.00003 and 0.00014; gnomAD 0.00006 and 0.00007; ExAC 0.00007; TOPMed 0.00008; 1000 Genomes Project 30x 0.00031; 1000 Genomes Project 0.00040.

Submissions (5):

Ambry Genetics
Classification: Uncertain significance for Inborn genetic diseases. Last evaluated: 2025-08-04. Review status: criteria provided, single submitter. Criteria: Ambry Variant Classification Scheme 2023. Collection method: clinical testing. Allele origin: germline.

Labcorp Genetics (formerly Invitae), Labcorp
Classification: Likely benign for Retinitis pigmentosa 71; Short-rib thoracic dysplasia 10 with or without polydactyly. Last evaluated: 2025-07-13. Review status: criteria provided, single submitter. Criteria: Invitae Variant Classification Sherloc (09022015). Collection method: clinical testing. Allele origin: germline.

Blueprint Genetics
Classification: Benign. Last evaluated: 2024-10-22. Review status: criteria provided, single submitter. Criteria: ACMG Guidelines, 2015. Collection method: clinical testing. Allele origin: germline.

Fulgent Genetics
Classification: Uncertain significance for Short-rib thoracic dysplasia 10 with or without polydactyly; Retinitis pigmentosa 71; Bardet-Biedl syndrome 20. Last evaluated: 2024-01-05. Review status: criteria provided, single submitter. Criteria: ACMG Guidelines, 2015. Collection method: clinical testing. Allele origin: germline.

PreventionGenetics, part of Exact Sciences
Classification: Uncertain significance for IFT172-related condition. Last evaluated: 2024-05-18. Review status: no assertion criteria provided. Collection method: clinical testing. Allele origin: germline. Not counted in ClinVar's aggregate classification.
Comment: The IFT172 c.877G>A variant is predicted to result in the amino acid substitution p.Ala293Thr. To our knowledge, this variant has not been reported in the literature. This variant is reported in 0.14% of alleles in individuals of East Asian descent in gnomAD. Although we suspect that this variant may be benign, the clinical significance of this variant is classified as uncertain at this time due to insufficient functional and genetic evidence.

NM_015662.3(IFT172):c.877G>A (p.Ala293Thr)

Gene: IFT172 (intraflagellar transport 172; minus strand). Cytogenetic location: 2p23.3.
Variant type: single nucleotide variant.
Coding change: c.877G>A on transcript NM_015662.3 (MANE Select); coding-DNA position 877, G replaced by A.
Protein change: p.Ala293Thr; replaces alanine 293 with threonine.
Molecular consequence: missense variant.
Genome position (GRCh38, 1-based): chr2:27,480,058, C>T on the plus strand (G>A on the coding strand, the complement: IFT172 is on the minus strand). VCF-style: chr2-27480058-C-T. GRCh37 (hg19) VCF-style: chr2-27702925-C-T.
Other names: c.877G>A (NM_015662.2, NM_015662.1); short protein forms A293T.
Identifiers: ClinVar variation 1353725 (VCV001353725.11), dbSNP rs370903625, ClinGen allele CA1580843.